The following is an entry in ClinVar:

NC_000016.10:g.67660304C>T

Gene: ACD (ACD shelterin complex subunit and telomerase recruitment factor; minus strand). Cytogenetic location: 16q22.1.
Variant type: single nucleotide variant.
Genome position: GRCh38 VCF-style: chr16-67660304-C-T. GRCh37 (hg19) VCF-style: chr16-67694207-C-T.
Other names: short protein forms E59K.
Identifiers: ClinVar variation 1319342 (VCV001319342.10), dbSNP rs1406176384, ClinGen allele CA396359502.

ClinVar aggregate classification (germline): Uncertain significance. Review status: criteria provided, multiple submitters, no conflicts (2 of 4 stars). 3 submissions from 3 submitters: Uncertain significance (3). Last evaluated 2024-05-22.

Conditions:
Inborn genetic diseases. Identifiers: MedGen C0950123, MeSH D030342.
Dyskeratosis congenita, autosomal dominant 6 (DKCA6). Identifiers: Orphanet 3322, MedGen C4225284, MONDO:0014690, OMIM 616553.

Allele frequency attached by ClinVar (database versions not stated): gnomAD exomes 0.00001; TOPMed below 0.00001.

Submissions (3):

Labcorp Genetics (formerly Invitae), Labcorp
Classification: Uncertain significance for Dyskeratosis congenita, autosomal dominant 6. Last evaluated: 2024-05-22. Review status: criteria provided, single submitter. Criteria: Invitae Variant Classification Sherloc (09022015). Collection method: clinical testing. Allele origin: germline.
Comment: This sequence change replaces glutamic acid, which is acidic and polar, with lysine, which is basic and polar, at codon 59 of the ACD protein (p.Glu59Lys). This variant is present in population databases (no rsID available, gnomAD 0.002%). This variant has not been reported in the literature in individuals affected with ACD-related conditions. ClinVar contains an entry for this variant (Variation ID: 1319342). An algorithm developed to predict the effect of missense changes on protein structure and function (PolyPhen-2) suggests that this variant is likely to be tolerated. In summary, the available evidence is currently insufficient to determine the role of this variant in disease. Therefore, it has been classified as a Variant of Uncertain Significance.

Ambry Genetics
Classification: Uncertain significance for Inborn genetic diseases. Last evaluated: 2024-04-04. Review status: criteria provided, single submitter. Criteria: Ambry Variant Classification Scheme 2023. Collection method: clinical testing. Allele origin: germline.
Comment: The p.E59K variant (also known as c.175G>A), located in coding exon 1 of the ACD gene, results from a G to A substitution at nucleotide position 175. The glutamic acid at codon 59 is replaced by lysine, an amino acid with similar properties. This amino acid position is conserved. In addition, this alteration is predicted to be tolerated by in silico analysis. Since supporting evidence is limited at this time, the clinical significance of this alteration remains unclear.

Institute for Clinical Genetics, University Hospital TU Dresden, University Hospital TU Dresden
Classification: Uncertain significance. Last evaluated: 2021-11-03. Review status: criteria provided, single submitter. Criteria: ACMG Guidelines, 2015. Collection method: clinical testing. Allele origin: germline.